The following is an entry in ClinVar:

NM_001042492.3(NF1):c.7598A>G (p.Asn2533Ser)

Gene: NF1 (neurofibromin 1; plus strand). Cytogenetic location: 17q11.2.
Variant type: single nucleotide variant.
Coding change: c.7598A>G on transcript NM_001042492.3 (MANE Select); coding-DNA position 7598, A replaced by G.
Protein change: p.Asn2533Ser; replaces asparagine 2533 with serine.
Molecular consequence: missense variant.
Genome position (GRCh38, 1-based): chr17:31,352,397, A>G. VCF-style: chr17-31352397-A-G. GRCh37 (hg19) VCF-style: chr17-29679415-A-G.
Other names: c.7535A>G, p.Asn2512Ser (NM_000267.4); short protein forms N2533S, N2512S.
Identifiers: ClinVar variation 1759400 (VCV001759400.2), dbSNP rs745846526, ClinGen allele CA8487610.

ClinVar aggregate classification (germline): Uncertain significance (1 of 4 stars; one submission).

Conditions:
Hereditary cancer-predisposing syndrome. Also called: Neoplastic Syndromes, Hereditary; Tumor predisposition; Hereditary Cancer Syndrome; Hereditary neoplastic syndrome. Identifiers: Orphanet 140162, MedGen C0027672, MeSH D009386, MONDO:0015356.
Cardiovascular phenotype. Identifiers: MedGen CN230736.

Allele frequency attached by ClinVar (database versions not stated): gnomAD exomes below 0.00001.
gnomAD v4.1: 2 of 1,613,036 alleles (0.00012%); highest among the groups gnomAD compares: Non-Finnish European, 0.000085%; no homozygotes.

Submission:

Ambry Genetics
Classification: Uncertain significance for Cardiovascular phenotype; Hereditary cancer-predisposing syndrome. Last evaluated: 2023-09-01. Review status: criteria provided, single submitter. Criteria: Ambry Variant Classification Scheme 2023. Collection method: clinical testing. Allele origin: germline.
Comment: The p.N2512S variant (also known as c.7535A>G), located in coding exon 50 of the NF1 gene, results from an A to G substitution at nucleotide position 7535. The asparagine at codon 2512 is replaced by serine, an amino acid with highly similar properties. This amino acid position is highly conserved in available vertebrate species. In addition, this alteration is predicted to be tolerated by in silico analysis. Since supporting evidence is limited at this time, the clinical significance of this alteration remains unclear.